The following is an entry in ClinVar:

NM_003803.4(MYOM1):c.3723C>G (p.Phe1241Leu)

Gene: MYOM1 (myomesin 1; minus strand). Cytogenetic location: 18p11.31.
Variant type: single nucleotide variant.
Coding change: c.3723C>G on transcript NM_003803.4 (MANE Select); coding-DNA position 3723, C replaced by G.
Protein change: p.Phe1241Leu; replaces phenylalanine 1241 with leucine.
Molecular consequence: missense variant.
Genome position (GRCh38, 1-based): chr18:3,100,163, G>C on the plus strand (C>G on the coding strand, the complement: MYOM1 is on the minus strand). VCF-style: chr18-3100163-G-C. GRCh37 (hg19) VCF-style: chr18-3100161-G-C.
Other names: c.3435C>G, p.Phe1145Leu (NM_019856.2); short protein forms F1145L, F1241L.
Identifiers: ClinVar variation 4773835 (VCV004773835.1).
Genomic context (GRCh38, chr18:3,100,163, plus strand): 5'-GAAGTTGCTGCCTAGTAAGACTGCTAAAAACCTGTGAATGTATTGTGGATACTTACTTGG[G>C]AACTTGTGTTCATGGCTGAGAGCAAGTAAACGTTTCAATTCTGTAGGGGGAAAAAGAAGG-3'
Protein context (NP_003794.3, residues 1231-1251): RLLALSHEHK[Phe1241Leu]PTVPVKSELA

ClinVar aggregate classification (germline): Uncertain significance (1 of 4 stars; one submission).

Conditions:
Hypertrophic cardiomyopathy. Also called: HYPERTROPHIC MYOCARDIOPATHY. Identifiers: Orphanet 217569, MedGen C0007194, MeSH D002312, MONDO:0005045, HP:0001639.

gnomAD v4.1: 2 of 1,613,836 alleles (0.00012%); highest among the groups gnomAD compares: Admixed American, 0.0017%; no homozygotes.

Submission:

Labcorp Genetics (formerly Invitae), Labcorp
Classification: Uncertain significance for Hypertrophic cardiomyopathy. Last evaluated: 2025-12-13. Review status: criteria provided, single submitter. Criteria: Invitae Variant Classification Sherloc (09022015). Collection method: clinical testing. Allele origin: germline.
Comment: This sequence change replaces phenylalanine, which is neutral and non-polar, with leucine, which is neutral and non-polar, at codon 1241 of the MYOM1 protein (p.Phe1241Leu). This variant is present in population databases (no rsID available, gnomAD 0.003%). This variant has not been reported in the literature in individuals affected with MYOM1-related conditions. Invitae Evidence Modeling of protein sequence and biophysical properties (such as structural, functional, and spatial information, amino acid conservation, physicochemical variation, residue mobility, and thermodynamic stability) indicates that this missense variant is not expected to disrupt MYOM1 protein function with a negative predictive value of 80%. In summary, the available evidence is currently insufficient to determine the role of this variant in disease. Therefore, it has been classified as a Variant of Uncertain Significance.